The following is an entry in ClinVar:

NM_032043.3(BRIP1):c.3149C>T (p.Thr1050Ile)

Gene: BRIP1 (BRCA1 interacting DNA helicase 1; minus strand). Cytogenetic location: 17q23.2.
Variant type: single nucleotide variant.
Coding change: c.3149C>T on transcript NM_032043.3 (MANE Select); coding-DNA position 3149, C replaced by T.
Protein change: p.Thr1050Ile; replaces threonine 1050 with isoleucine.
Molecular consequence: missense variant.
Genome position (GRCh38, 1-based): chr17:61,683,897, G>A on the plus strand (C>T on the coding strand, the complement: BRIP1 is on the minus strand). VCF-style: chr17-61683897-G-A. GRCh37 (hg19) VCF-style: chr17-59761258-G-A.
Other names: short protein forms T1050I.
Identifiers: ClinVar variation 1728153 (VCV001728153.5), dbSNP rs373040333, ClinGen allele CA400479544.

ClinVar aggregate classification (germline): Uncertain significance. Review status: criteria provided, multiple submitters, no conflicts (2 of 4 stars). 2 submissions from 2 submitters: Uncertain significance (2). Last evaluated 2024-11-18.

Conditions:
Hereditary cancer-predisposing syndrome. Also called: Neoplastic Syndromes, Hereditary; Tumor predisposition; Hereditary Cancer Syndrome; Hereditary neoplastic syndrome. Identifiers: Orphanet 140162, MedGen C0027672, MeSH D009386, MONDO:0015356.
Fanconi anemia complementation group J. Also called: BRIP1-Related Fanconi Anemia. Identifiers: Orphanet 84, MedGen C1836860, MONDO:0012187, OMIM 609054.
Familial cancer of breast. Also called: BREAST CANCER, FAMILIAL; Hereditary breast cancer; hereditary breast carcinoma. Identifiers: Orphanet 227535, MedGen C0346153, MONDO:0016419, OMIM 114480. Disease mechanism: loss of function.

Submissions (2):

Ambry Genetics
Classification: Uncertain significance for Hereditary cancer-predisposing syndrome. Last evaluated: 2024-11-18. Review status: criteria provided, single submitter. Criteria: Ambry Variant Classification Scheme 2023. Collection method: clinical testing. Allele origin: germline.
Comment: The p.T1050I variant (also known as c.3149C>T), located in coding exon 19 of the BRIP1 gene, results from a C to T substitution at nucleotide position 3149. The threonine at codon 1050 is replaced by isoleucine, an amino acid with similar properties. This amino acid position is conserved. In addition, this alteration is predicted to be tolerated by in silico analysis. Since supporting evidence is limited at this time, the clinical significance of this alteration remains unclear.

Labcorp Genetics (formerly Invitae), Labcorp
Classification: Uncertain significance for Familial cancer of breast; Fanconi anemia complementation group J. Last evaluated: 2024-03-02. Review status: criteria provided, single submitter. Criteria: Invitae Variant Classification Sherloc (09022015). Collection method: clinical testing. Allele origin: germline.
Comment: This sequence change replaces threonine, which is neutral and polar, with isoleucine, which is neutral and non-polar, at codon 1050 of the BRIP1 protein (p.Thr1050Ile). This variant is not present in population databases (gnomAD no frequency). This variant has not been reported in the literature in individuals affected with BRIP1-related conditions. ClinVar contains an entry for this variant (Variation ID: 1728153). Algorithms developed to predict the effect of missense changes on protein structure and function output the following: SIFT: "Not Available"; PolyPhen-2: "Benign"; Align-GVGD: "Not Available". The isoleucine amino acid residue is found in multiple mammalian species, which suggests that this missense change does not adversely affect protein function. In summary, the available evidence is currently insufficient to determine the role of this variant in disease. Therefore, it has been classified as a Variant of Uncertain Significance.